The following is an entry in ClinVar:

ClinVar aggregate classification (germline): Likely pathogenic (1 of 4 stars; one submission).

Conditions:
Epilepsy, familial focal, with variable foci 3 (FFEVF3). Identifiers: MedGen C4310708, MONDO:0014925, OMIM 617118.

Submission:

Labcorp Genetics (formerly Invitae), Labcorp
Classification: Likely pathogenic for Epilepsy, familial focal, with variable foci 3. Last evaluated: 2025-11-03. Review status: criteria provided, single submitter. Criteria: Invitae Variant Classification Sherloc (09022015). Collection method: clinical testing. Allele origin: germline.
Comment: This variant results in the deletion of part of exon 12 (c.1217_1351+24delinsC) of the NPRL3 gene. It is expected to disrupt RNA splicing. Variants that disrupt the donor or acceptor splice site typically lead to a loss of protein function (PMID: 16199547), and loss-of-function variants in NPRL3 are known to be pathogenic (PMID: 26285051, 26505888). This variant is not present in population databases (gnomAD no frequency). This variant has not been reported in the literature in individuals affected with NPRL3-related conditions. ClinVar contains an entry for this variant (Variation ID: 1468070). In summary, the currently available evidence indicates that the variant is pathogenic, but additional data are needed to prove that conclusively. Therefore, this variant has been classified as Likely Pathogenic.

Literature cited by the submitters: PubMed 16199547; PubMed 26285051; PubMed 26505888.

NM_001077350.3(NPRL3):c.1217_1351+24delinsC

Genes: HBA-LCR (alpha-globin locus control region; plus strand), NPRL3 (NPR3 like, GATOR1 complex subunit; minus strand). Cytogenetic location: 16p13.3.
Variant type: Indel.
Coding change: c.1217_1351+24delinsC on transcript NM_001077350.3 (MANE Select); coding-DNA position 1217 through 24 bases into the intron after coding-DNA position 1351, the reference bases replaced by C.
Molecular consequence: splice donor variant.
Genome position (GRCh38, 1-based): chr16:89,689-89,847, 159 bases replaced. GRCh37 (hg19): chr16:139,687-139,845.
Other names: c.983_1117+24delinsC (NM_001243247.2); c.1142_1276+24delinsC (NM_001243248.2, NM_001243249.2); c.680_814+24delinsC (NM_001039476.3).
Identifiers: ClinVar variation 1468070 (VCV001468070.6), dbSNP rs2141901872, ClinGen allele CA2573151938.